The following is an entry in ClinVar:

ClinVar aggregate classification (germline): Uncertain significance (1 of 4 stars; one submission).

Conditions:
Primary dilated cardiomyopathy (DCM). Also called: Dilated Cardiomyopathy. Identifiers: Orphanet 217604, MedGen C0007193, MeSH D002311, MONDO:0005021, HP:0001644. Inheritance: Various modes of inheritance.

gnomAD v4.1: 1 of 1,612,852 alleles (0.000062%); highest among the groups gnomAD compares: Non-Finnish European, 0.000085%; no homozygotes.

Submission:

Labcorp Genetics (formerly Invitae), Labcorp
Classification: Uncertain significance for Primary dilated cardiomyopathy. Last evaluated: 2025-07-20. Review status: criteria provided, single submitter. Criteria: Invitae Variant Classification Sherloc (09022015). Collection method: clinical testing. Allele origin: germline.
Comment: This sequence change replaces proline, which is neutral and non-polar, with leucine, which is neutral and non-polar, at codon 609 of the NEBL protein (p.Pro609Leu). This variant is not present in population databases (gnomAD no frequency). This variant has not been reported in the literature in individuals affected with NEBL-related conditions. An algorithm developed to predict the effect of missense changes on protein structure and function (PolyPhen-2) suggests that this variant is likely to be disruptive. In summary, the available evidence is currently insufficient to determine the role of this variant in disease. Therefore, it has been classified as a Variant of Uncertain Significance.

NM_006393.3(NEBL):c.1826C>T (p.Pro609Leu)

Gene: NEBL (nebulette; minus strand). Cytogenetic location: 10p12.31.
Variant type: single nucleotide variant.
Coding change: c.1826C>T on transcript NM_006393.3 (MANE Select); coding-DNA position 1826, C replaced by T.
Protein change: p.Pro609Leu; replaces proline 609 with leucine.
Molecular consequence: missense variant. On other transcripts: intron variant (9).
Genome position (GRCh38, 1-based): chr10:20,826,490, G>A on the plus strand (C>T on the coding strand, the complement: NEBL is on the minus strand). VCF-style: chr10-20826490-G-A. GRCh37 (hg19) VCF-style: chr10-21115419-G-A.
Other names: c.250-13550C>T (NM_001377326.1, NM_001377327.1, NM_001377328.1); c.358-13550C>T (NM_213569.2, NM_001173484.2, NM_001377322.1); c.301-13550C>T (NM_001377324.1); c.292-13550C>T (NM_001377325.1); c.310-13550C>T (NM_001377323.1); short protein forms P609L.
Identifiers: ClinVar variation 4804190 (VCV004804190.1).